The following is an entry in ClinVar:

NM_002905.5(RDH5):c.944A>G (p.Gln315Arg)

Genes: BLOC1S1-RDH5 (BLOC1S1-RDH5 readthrough; plus strand), CD63 (CD63 molecule; minus strand), RDH5 (retinol dehydrogenase 5; plus strand). Cytogenetic location: 12q13.2.
Variant type: single nucleotide variant.
Coding change: c.944A>G on transcript NM_002905.5 (MANE Select); coding-DNA position 944, A replaced by G.
Protein change: p.Gln315Arg; replaces glutamine 315 with arginine.
Molecular consequence: missense variant. On other transcripts: non-coding transcript variant (1).
Genome position (GRCh38, 1-based): chr12:55,724,532, A>G. VCF-style: chr12-55724532-A-G. GRCh37 (hg19) VCF-style: chr12-56118316-A-G.
Other names: c.944A>G, p.Gln315Arg (NM_001199771.3); short protein forms Q315R.
Identifiers: ClinVar variation 944611 (VCV000944611.10), dbSNP rs765784736, ClinGen allele CA6616993.

ClinVar aggregate classification (germline): Uncertain significance (1 of 4 stars; one submission).

Allele frequency attached by ClinVar (database versions not stated): gnomAD exomes below 0.00001; ExAC 0.00001.
gnomAD v4.1: 1 of 1,611,624 alleles (0.000062%); no homozygotes.

Submission:

Labcorp Genetics (formerly Invitae), Labcorp
Classification: Uncertain significance. Last evaluated: 2019-07-30. Review status: criteria provided, single submitter. Criteria: Invitae Variant Classification Sherloc (09022015). Collection method: clinical testing. Allele origin: germline.
Comment: Algorithms developed to predict the effect of missense changes on protein structure and function (SIFT, PolyPhen-2, Align-GVGD) all suggest that this variant is likely to be tolerated, but these predictions have not been confirmed by published functional studies and their clinical significance is uncertain. In summary, the available evidence is currently insufficient to determine the role of this variant in disease. Therefore, it has been classified as a Variant of Uncertain Significance. This variant has not been reported in the literature in individuals with RDH5-related conditions. This variant is present in population databases (rs765784736, ExAC 0.002%). This sequence change replaces glutamine with arginine at codon 315 of the RDH5 protein (p.Gln315Arg). The glutamine residue is moderately conserved and there is a small physicochemical difference between glutamine and arginine.